The following is an entry in ClinVar:

ClinVar aggregate classification (germline): Conflicting classifications of pathogenicity. Review status: criteria provided, conflicting classifications (1 of 4 stars). 2 submissions from 2 submitters: Likely pathogenic (1); Uncertain significance (1). Last evaluated 2024-07-13.

Conditions:
KBG syndrome (KBGS). Also called: ANKRD11-Related KBG Syndrome. Identifiers: Orphanet 2332, MedGen C0220687, MONDO:0007846, OMIM 148050.

Submissions (2):

Mendelics
Classification: Likely pathogenic for KBG syndrome. Last evaluated: 2024-07-13. Review status: criteria provided, single submitter. Criteria: Mendelics Assertion Criteria 2017. Collection method: clinical testing. Allele origin: unknown.

3billion
Classification: Uncertain significance for KBG syndrome. Review status: criteria provided, single submitter. Criteria: ACMG Guidelines, 2015. Collection method: clinical testing. Allele origin: unknown. Affected: yes. Observed: 1 heterozygote.
Comment: The variant is not observed in the gnomAD v2.1.1 dataset. In silico tool predictions suggest damaging effect of the variant on gene or gene product (3Cnet: 0.78). Same nucleotide change resulting in same amino acid change has been previously reported to be associated with ANKRD11 related disorder (ClinVar ID: VCV000803285). However, the evidence of pathogenicity is insufficient at this time. Therefore, this variant is classified as Uncertain significance according to the recommendation of ACMG/AMP guideline.

NM_013275.6(ANKRD11):c.7822C>T (p.Arg2608Trp)

Genes: ANKRD11 (ankyrin repeat domain 11; minus strand), TRAPPC2L (trafficking protein particle complex subunit 2L; plus strand). Cytogenetic location: 16q24.3.
Variant type: single nucleotide variant.
Coding change: c.7822C>T on transcript NM_013275.6 (MANE Select); coding-DNA position 7822, C replaced by T.
Protein change: p.Arg2608Trp; replaces arginine 2608 with tryptophan.
Molecular consequence: missense variant.
Genome position (GRCh38, 1-based): chr16:89,268,648, G>A on the plus strand (C>T on the coding strand, the complement: ANKRD11 is on the minus strand). VCF-style: chr16-89268648-G-A. GRCh37 (hg19) VCF-style: chr16-89335056-G-A.
Other names: c.7822C>T, p.Arg2608Trp (NM_001256182.2, NM_001256183.2); short protein forms R2608W.
Identifiers: ClinVar variation 803285 (VCV000803285.3), dbSNP rs1597389370, ClinGen allele CA397145367.